The following is an entry in ClinVar:

ClinVar aggregate classification (germline): Conflicting classifications of pathogenicity. Review status: criteria provided, conflicting classifications (1 of 4 stars). 6 submissions from 6 submitters: Uncertain significance (1); Benign (1); Likely benign (4). Last evaluated 2026-01-28.

Conditions:
Familial thoracic aortic aneurysm and aortic dissection (TAAD). Also called: Thoracic aortic aneurysms and dissections. Identifiers: Orphanet 91387, MedGen C4707243, MONDO:0019625.
Arterial tortuosity syndrome (ATORS). Identifiers: Orphanet 3342, MedGen C1859726, MONDO:0008818, OMIM 208050.

Allele frequency attached by ClinVar (database versions not stated): ESP Exome Variant Server 0.00008; gnomAD exomes 0.00009 and 0.00024; 1000 Genomes Project 30x 0.00016; ExAC 0.00016; gnomAD 0.00016 and 0.00017; TOPMed 0.00016; 1000 Genomes Project 0.00020.
gnomAD v4.1: 172 of 1,614,228 alleles (0.011%); highest among the groups gnomAD compares: Admixed American, 0.035%; no homozygotes.

Submissions (6):

Labcorp Genetics (formerly Invitae), Labcorp
Classification: Likely benign for Arterial tortuosity syndrome. Last evaluated: 2026-01-28. Review status: criteria provided, single submitter. Criteria: Invitae Variant Classification Sherloc (09022015). Collection method: clinical testing. Allele origin: germline.

Blueprint Genetics
Classification: Likely benign. Last evaluated: 2024-09-04. Review status: criteria provided, single submitter. Criteria: ACMG Guidelines, 2015. Collection method: clinical testing. Allele origin: germline.

CeGaT Center for Human Genetics Tuebingen
Classification: Likely benign. Last evaluated: 2021-09-01. Review status: criteria provided, single submitter. Criteria: CeGaT Center For Human Genetics Tuebingen Variant Classification Criteria Version 2. Collection method: clinical testing. Allele origin: germline. Affected: yes. Observed: 1 variant allele.

Ambry Genetics
Classification: Likely benign for Familial thoracic aortic aneurysm and aortic dissection. Last evaluated: 2018-07-09. Review status: criteria provided, single submitter. Criteria: Ambry Variant Classification Scheme 2023. Collection method: clinical testing. Allele origin: germline.

Illumina Laboratory Services, Illumina
Classification: Uncertain significance for Arterial tortuosity syndrome. Last evaluated: 2018-01-13. Review status: criteria provided, single submitter. Criteria: ICSL Variant Classification Criteria 13 December 2019. Collection method: clinical testing. Allele origin: germline.

GeneDx
Classification: Benign. Last evaluated: 2015-07-06. Review status: criteria provided, single submitter. Criteria: GeneDx Variant Classification (06012015). Collection method: clinical testing. Allele origin: germline. Affected: yes.
Comment: This variant is considered likely benign or benign based on one or more of the following criteria: it is a conservative change, it occurs at a poorly conserved position in the protein, it is predicted to be benign by multiple in silico algorithms, and/or has population frequency not consistent with disease.

NM_030777.4(SLC2A10):c.780C>T (p.Ser260=)

Gene: SLC2A10 (solute carrier family 2 member 10; plus strand). Cytogenetic location: 20q13.12.
Variant type: single nucleotide variant.
Coding change: c.780C>T on transcript NM_030777.4 (MANE Select); coding-DNA position 780, C replaced by T.
Protein change: p.Ser260=; no amino-acid change (serine 260 retained).
Molecular consequence: synonymous variant.
Genome position (GRCh38, 1-based): chr20:46,725,816, C>T. VCF-style: chr20-46725816-C-T. GRCh37 (hg19) VCF-style: chr20-45354455-C-T.
Other names: p.S260S:TCC>TCT.
Identifiers: ClinVar variation 213718 (VCV000213718.52), dbSNP rs181500247, ClinGen allele CA322946.